The following is an entry in ClinVar:

ClinVar aggregate classification (germline): Uncertain significance (1 of 4 stars; one submission).

Submission:

Labcorp Genetics (formerly Invitae), Labcorp
Classification: Uncertain significance. Last evaluated: 2022-02-23. Review status: criteria provided, single submitter. Criteria: Invitae Variant Classification Sherloc (09022015). Collection method: clinical testing. Allele origin: germline.
Comment: This variant has not been reported in the literature in individuals affected with LRRC10-related conditions. This sequence change replaces leucine, which is neutral and non-polar, with glutamine, which is neutral and polar, at codon 216 of the LRRC10 protein (p.Leu216Gln). This variant is not present in population databases (gnomAD no frequency). Algorithms developed to predict the effect of missense changes on protein structure and function are either unavailable or do not agree on the potential impact of this missense change (SIFT: "Deleterious"; PolyPhen-2: "Probably Damaging"; Align-GVGD: "Class C0"). In summary, the available evidence is currently insufficient to determine the role of this variant in disease. Therefore, it has been classified as a Variant of Uncertain Significance.

NM_201550.4(LRRC10):c.647T>A (p.Leu216Gln)

Gene: LRRC10 (leucine rich repeat containing 10; minus strand). Cytogenetic location: 12q15.
Variant type: single nucleotide variant.
Coding change: c.647T>A on transcript NM_201550.4 (MANE Select); coding-DNA position 647, T replaced by A.
Protein change: p.Leu216Gln; replaces leucine 216 with glutamine.
Molecular consequence: missense variant.
Genome position (GRCh38, 1-based): chr12:69,610,192, A>T on the plus strand (T>A on the coding strand, the complement: LRRC10 is on the minus strand). VCF-style: chr12-69610192-A-T. GRCh37 (hg19) VCF-style: chr12-70003972-A-T.
Other names: short protein forms L216Q.
Identifiers: ClinVar variation 1980622 (VCV001980622.4), dbSNP rs1555198944, ClinGen allele CA385735747.